The following is an entry in ClinVar:

NM_020829.4(RIC1):c.4203GGA[1] (p.Glu1402del)

Gene: RIC1 (RIC1 homolog, RAB6A GEF complex partner 1; plus strand). Cytogenetic location: 9p24.1.
Variant type: Microsatellite.
Coding change: c.4203GGA[1] on transcript NM_020829.4 (MANE Select); one copy of the 3-base unit GGA starting at c.4203; the reference has two copies in a row; one copy, 3 bases deleted.
Protein change: p.Glu1402del; deletes glutamic acid 1402.
Genome position (GRCh38, 1-based): chr9:5,774,180-5,774,182, GGA deleted; deleting any 3 consecutive bases within chr9:5,774,175-5,774,182 gives the same sequence; the position shown is the placement nearest the transcript's 3' end. VCF-style (leftmost placement, unchanged base first): chr9-5774174-AGAG-A. GRCh37 (hg19) VCF-style: chr9-5774174-AGAG-A.
Other names: c.4092GGA[1], p.Glu1365del (NM_001206557.2); short protein forms E1365del, E1402del.
Identifiers: ClinVar variation 3051868 (VCV003051868.2), dbSNP rs763586601, ClinGen allele CA4975440.
Genomic context (GRCh38, chr9:5,774,174, plus strand): 5'-CTCCAGCCATGGAAGCATCCCCCAGGGTGAAGTTGGAAGCAGCAATATGGTCAGCCGGAA[AGAG>A]GAGGACACAGCCCAAGCAGAGGAGGAAGAACCTTTTCAGGATGGGACTTACGACTGTTCT-3'

ClinVar aggregate classification (germline): Likely benign (0 of 4 stars; one submission).

Conditions:
RIC1-related disorder. Also called: RIC1-related condition.

Submission:

PreventionGenetics, part of Exact Sciences
Classification: Likely benign for RIC1-related condition. Last evaluated: 2022-03-16. Review status: no assertion criteria provided. Collection method: clinical testing. Allele origin: germline.
Comment: This variant is classified as likely benign based on ACMG/AMP sequence variant interpretation guidelines (Richards et al. 2015 PMID: 25741868, with internal and published modifications).